The following is an entry in ClinVar:

NM_020872.3(CNTN3):c.947-7A>G

Gene: CNTN3 (contactin 3; minus strand). Cytogenetic location: 3p12.3.
Variant type: single nucleotide variant.
Coding change: c.947-7A>G on transcript NM_020872.3 (MANE Select); 7 bases into the intron before coding-DNA position 947, A replaced by G.
Molecular consequence: intron variant.
Genome position (GRCh38, 1-based): chr3:74,365,709, T>C on the plus strand (A>G on the coding strand, the complement: CNTN3 is on the minus strand). VCF-style: chr3-74365709-T-C. GRCh37 (hg19) VCF-style: chr3-74414860-T-C.
Other names: c.947-7A>G (NM_001393376.1).
Identifiers: ClinVar variation 791476 (VCV000791476.6), dbSNP rs182676092, ClinGen allele CA2495363.

ClinVar aggregate classification (germline): Benign. Review status: criteria provided, multiple submitters, no conflicts (2 of 4 stars). 3 submissions from 3 submitters: Benign (2). 1 of the submissions does not count toward it. Last evaluated 2018-10-30.

Conditions:
CNTN3-related disorder. Also called: CNTN3-related condition.

Allele frequency attached by ClinVar (database versions not stated): 1000 Genomes Project 30x 0.00062; 1000 Genomes Project 0.00080; gnomAD exomes 0.00301 and 0.00445; TOPMed 0.00301; ExAC 0.00319; ESP Exome Variant Server 0.00354; gnomAD 0.00354.
gnomAD v4.1: 6,761 of 1,593,388 alleles (0.42%); highest among the groups gnomAD compares: Non-Finnish European, 0.52%; 12 homozygotes.

Submissions (3):

Labcorp Genetics (formerly Invitae), Labcorp
Classification: Benign. Last evaluated: 2018-10-30. Review status: criteria provided, single submitter. Criteria: Invitae Variant Classification Sherloc (09022015). Collection method: clinical testing. Allele origin: germline.

Breakthrough Genomics
Classification: Benign. Review status: criteria provided, single submitter. Criteria: ACMG Guidelines, 2015. Collection method: not provided. Allele origin: germline. Inheritance: Unknown mechanism. Affected: yes.

PreventionGenetics, part of Exact Sciences
Classification: Likely benign for CNTN3-related condition. Last evaluated: 2019-08-13. Review status: no assertion criteria provided. Collection method: clinical testing. Allele origin: germline. Not counted in ClinVar's aggregate classification.
Comment: This variant is classified as likely benign based on ACMG/AMP sequence variant interpretation guidelines (Richards et al. 2015 PMID: 25741868, with internal and published modifications).